The following is an entry in ClinVar:

ClinVar aggregate classification (germline): Benign. Review status: criteria provided, multiple submitters, no conflicts (2 of 4 stars). 2 submissions from 2 submitters: Benign (2). Last evaluated 2025-12-15.

Conditions:
Emery-Dreifuss muscular dystrophy 5, autosomal dominant (EDMD5). Also called: EMERY-DREIFUSS MUSCULAR DYSTROPHY 5. Identifiers: Orphanet 261, MedGen C2751805, MONDO:0013072, OMIM 612999.

Allele frequency attached by ClinVar (database versions not stated): 1000 Genomes Project 0.00020; TOPMed 0.00023; 1000 Genomes Project 30x 0.00031; ExAC 0.00037; gnomAD exomes 0.00055.
gnomAD v4.1: 169 of 1,614,018 alleles (0.01%); highest among the groups gnomAD compares: Admixed American, 0.27%; no homozygotes.

Submissions (2):

Labcorp Genetics (formerly Invitae), Labcorp
Classification: Benign for Emery-Dreifuss muscular dystrophy 5, autosomal dominant. Last evaluated: 2025-12-15. Review status: criteria provided, single submitter. Criteria: Invitae Variant Classification Sherloc (09022015). Collection method: clinical testing. Allele origin: germline.

Illumina Laboratory Services, Illumina
Classification: Benign for Emery-Dreifuss muscular dystrophy 5, autosomal dominant. Last evaluated: 2018-01-12. Review status: criteria provided, single submitter. Criteria: ICSL Variant Classification Criteria 13 December 2019. Collection method: clinical testing. Allele origin: germline.
Comment: This variant was observed in the ICSL laboratory as part of a predisposition screen in an ostensibly healthy population. It had not been previously curated by ICSL or reported in the Human Gene Mutation Database (HGMD: prior to June 1st, 2018), and was therefore a candidate for classification through an automated scoring system. Utilizing variant allele frequency, disease prevalence and penetrance estimates, and inheritance mode, an automated score was calculated to assess if this variant is too frequent to cause the disease. Based on the score and internal cut-off values, a variant classified as benign is not then subjected to further curation. The score for this variant resulted in a classification of benign for this disease.

NM_182914.3(SYNE2):c.15822A>T (p.Ser5274=)

Gene: SYNE2 (spectrin repeat containing nuclear envelope protein 2; plus strand). Cytogenetic location: 14q23.2.
Variant type: single nucleotide variant.
Coding change: c.15822A>T on transcript NM_182914.3 (MANE Select); coding-DNA position 15822, A replaced by T.
Protein change: p.Ser5274=; no amino-acid change (serine 5274 retained).
Molecular consequence: synonymous variant.
Genome position (GRCh38, 1-based): chr14:64,158,654, A>T. VCF-style: chr14-64158654-A-T. GRCh37 (hg19) VCF-style: chr14-64625372-A-T.
Other names: c.15822A>T, p.Ser5274= (NM_015180.6).
Identifiers: ClinVar variation 313612 (VCV000313612.15), dbSNP rs184241655, ClinGen allele CA7223205.